The following is an entry in ClinVar:

ClinVar aggregate classification (germline): Uncertain significance (1 of 4 stars; one submission).

Conditions:
Gorlin syndrome. Also called: Nevoid Basal Cell Carcinoma Syndrome; Basal cell nevus syndrome. Identifiers: Orphanet 377, MedGen C0004779, MONDO:0007187.

Allele frequency attached by ClinVar (database versions not stated): TOPMed below 0.00001; ExAC 0.00001; gnomAD exomes 0.00001.
gnomAD v4.1: 4 of 1,610,994 alleles (0.00025%); highest among the groups gnomAD compares: Non-Finnish European, 0.00034%; no homozygotes.

Submission:

Labcorp Genetics (formerly Invitae), Labcorp
Classification: Uncertain significance for Gorlin syndrome. Last evaluated: 2021-11-06. Review status: criteria provided, single submitter. Criteria: Invitae Variant Classification Sherloc (09022015). Collection method: clinical testing. Allele origin: germline.
Comment: This sequence change replaces leucine, which is neutral and non-polar, with proline, which is neutral and non-polar, at codon 1169 of the PTCH2 protein (p.Leu1169Pro). This variant is present in population databases (rs779167991, gnomAD 0.002%). This variant has not been reported in the literature in individuals affected with PTCH2-related conditions. Algorithms developed to predict the effect of missense changes on protein structure and function are either unavailable or do not agree on the potential impact of this missense change (SIFT: "Tolerated"; PolyPhen-2: "Probably Damaging"; Align-GVGD: "Class C0"). In summary, the available evidence is currently insufficient to determine the role of this variant in disease. Therefore, it has been classified as a Variant of Uncertain Significance.

NM_003738.5(PTCH2):c.3506T>C (p.Leu1169Pro)

Gene: PTCH2 (patched 2; minus strand). Cytogenetic location: 1p34.1.
Variant type: single nucleotide variant.
Coding change: c.3506T>C on transcript NM_003738.5 (MANE Select); coding-DNA position 3506, T replaced by C.
Protein change: p.Leu1169Pro; replaces leucine 1169 with proline.
Molecular consequence: missense variant. On other transcripts: intron variant (1).
Genome position (GRCh38, 1-based): chr1:44,822,521, A>G on the plus strand (T>C on the coding strand, the complement: PTCH2 is on the minus strand). VCF-style: chr1-44822521-A-G. GRCh37 (hg19) VCF-style: chr1-45288193-A-G.
Other names: c.3425+81T>C (NM_001166292.2); short protein forms L1169P.
Identifiers: ClinVar variation 1475295 (VCV001475295.6), dbSNP rs779167991, ClinGen allele CA822663.